The following is an entry in ClinVar:

ClinVar aggregate classification (germline): Likely pathogenic (1 of 4 stars; one submission).

Conditions:
Junctional epidermolysis bullosa gravis of Herlitz. Also called: EPIDERMOLYSIS BULLOSA JUNCTIONALIS, HERLITZ TYPE; EPIDERMOLYSIS BULLOSA, JUNCTIONAL, HERLITZ-PEARSON TYPE; JEB-HERLITZ TYPE; EPIDERMOLYSIS BULLOSA, JUNCTIONAL 1B, SEVERE; Epidermolysis Bullosa Letalis; Herlitz-type junctional epidermolysis bullosa. Identifiers: Orphanet 79404, MedGen C0079683, MONDO:0009182, OMIM 226700.

Submission:

Myriad Genetics, Inc.
Classification: Likely pathogenic for Junctional epidermolysis bullosa gravis of Herlitz. Last evaluated: 2022-03-17. Review status: criteria provided, single submitter. Criteria: Myriad Women's Health Autosomal Recessive and X-Linked Classification Criteria (2021). Collection method: clinical testing. Allele origin: unknown.
Comment: NM_005562.2(LAMC2):c.2372C>A(S791*) is expected to be pathogenic in the context of junctional epidermolysis bullosa, LAMC2-related. This variant is predicted to lead to an abnormal or absent protein product due to the creation of a premature termination codon in LAMC2, a gene where loss-of-function variants are known to be pathogenic. Please note: this variant was assessed in the context of healthy population screening.

NM_005562.3(LAMC2):c.2372C>A (p.Ser791Ter)

Gene: LAMC2 (laminin subunit gamma 2; plus strand). Cytogenetic location: 1q25.3.
Variant type: single nucleotide variant.
Coding change: c.2372C>A on transcript NM_005562.3 (MANE Select); coding-DNA position 2372, C replaced by A.
Protein change: p.Ser791Ter; replaces serine 791 with a stop codon.
Molecular consequence: nonsense.
Genome position (GRCh38, 1-based): chr1:183,235,646, C>A. VCF-style: chr1-183235646-C-A. GRCh37 (hg19) VCF-style: chr1-183204781-C-A.
Other names: c.2372C>A, p.Ser791Ter (NM_018891.3); short protein forms S791*.
Identifiers: ClinVar variation 1725368 (VCV001725368.2), dbSNP rs2102245114, ClinGen allele CA343695108.